The following is an entry in ClinVar:

ClinVar aggregate classification (germline): Uncertain significance (1 of 4 stars; one submission).

Conditions:
Malignant hyperthermia, susceptibility to, 1 (MHS1). Also called: Anesthesia related hyperthermia; Malignant hyperpyrexia; Fulminating hyperpyrexia; Pharmacogenic myopathy; RYR1-Related Malignant Hyperthermia Susceptibility; Malignant hyperthermia suceptibility 1. Identifiers: Orphanet 423, MedGen C2930980, MONDO:0007783, OMIM 145600.

Allele frequency attached by ClinVar (database versions not stated): gnomAD exomes below 0.00001.
gnomAD v4.1: 1 of 1,614,030 alleles (0.000062%); highest among the groups gnomAD compares: Non-Finnish European, 0.000085%; no homozygotes.

Submission:

All of Us Research Program, National Institutes of Health
Classification: Uncertain significance for Malignant hyperthermia, susceptibility to, 1. Last evaluated: 2023-11-30. Review status: criteria provided, single submitter. Criteria: ACMG Guidelines, 2015. Collection method: clinical testing. Allele origin: germline. Inheritance: Autosomal dominant inheritance. Observed: 1 variant allele, 1 heterozygote.
Comment: This study involves interpretation of variants in research participants for the purpose of population health screening. Participant phenotype was not available at the time of variant classification. Additional details can be found in publication PMID: 35346344, PMCID: PMC8962531

NM_000540.3(RYR1):c.9817A>G (p.Thr3273Ala)

Gene: RYR1 (ryanodine receptor 1; plus strand). Cytogenetic location: 19q13.2.
Variant type: single nucleotide variant.
Coding change: c.9817A>G on transcript NM_000540.3 (MANE Select); coding-DNA position 9817, A replaced by G.
Protein change: p.Thr3273Ala; replaces threonine 3273 with alanine.
Molecular consequence: missense variant.
Genome position (GRCh38, 1-based): chr19:38,517,490, A>G. VCF-style: chr19-38517490-A-G. GRCh37 (hg19) VCF-style: chr19-39008130-A-G.
Other names: c.9817A>G, p.Thr3273Ala (NM_001042723.2); short protein forms T3273A.
Identifiers: ClinVar variation 3073944 (VCV003073944.1), dbSNP rs2514433208, ClinGen allele CA405692154.